The following is an entry in ClinVar:

ClinVar aggregate classification (germline): Uncertain significance. Review status: criteria provided, multiple submitters, no conflicts (2 of 4 stars). 2 submissions from 2 submitters: Uncertain significance (2). Last evaluated 2026-05-14.

Conditions:
Hereditary cancer-predisposing syndrome. Also called: Tumor predisposition; Neoplastic Syndromes, Hereditary; Hereditary neoplastic syndrome; Hereditary Cancer Syndrome. Identifiers: Orphanet 140162, MedGen C0027672, MeSH D009386, MONDO:0015356.
Neuroblastoma, susceptibility to, 3. Also called: ALK-Related Neuroblastic Tumor Susceptibility. Identifiers: Orphanet 635, MedGen C2751681, MONDO:0013083, OMIM 613014.

Submissions (2):

Ambry Genetics
Classification: Uncertain significance for Hereditary cancer-predisposing syndrome. Last evaluated: 2026-05-14. Review status: criteria provided, single submitter. Criteria: Ambry Variant Classification Scheme 2023. Collection method: clinical testing. Allele origin: germline.
Comment: The p.T786P variant (also known as c.2356A>C) is located in coding exon 14 of the ALK gene. The threonine at codon 786 is replaced by proline, an amino acid with highly similar properties. This change occurs in the first base pair of coding exon 14. This amino acid position is conserved. In addition, this alteration is predicted to be tolerated by in silico analysis. Based on the available evidence, the clinical significance of this variant remains unclear.

Labcorp Genetics (formerly Invitae), Labcorp
Classification: Uncertain significance for Neuroblastoma, susceptibility to, 3. Last evaluated: 2019-11-26. Review status: criteria provided, single submitter. Criteria: Invitae Variant Classification Sherloc (09022015). Collection method: clinical testing. Allele origin: germline.
Comment: In summary, the available evidence is currently insufficient to determine the role of this variant in disease. Therefore, it has been classified as a Variant of Uncertain Significance. Algorithms developed to predict the effect of missense changes on protein structure and function are either unavailable or do not agree on the potential impact of this missense change (SIFT: "Deleterious"; PolyPhen-2: "Possibly Damaging"; Align-GVGD: "Class C0"). This variant has not been reported in the literature in individuals with ALK-related conditions. This variant is not present in population databases (ExAC no frequency). This sequence change replaces threonine with proline at codon 786 of the ALK protein (p.Thr786Pro). The threonine residue is highly conserved and there is a small physicochemical difference between threonine and proline.

NM_004304.5(ALK):c.2356A>C (p.Thr786Pro)

Gene: ALK (ALK receptor tyrosine kinase; minus strand). Cytogenetic location: 2p23.2.
Variant type: single nucleotide variant.
Coding change: c.2356A>C on transcript NM_004304.5 (MANE Select); coding-DNA position 2356, A replaced by C.
Protein change: p.Thr786Pro; replaces threonine 786 with proline.
Molecular consequence: missense variant.
Genome position (GRCh38, 1-based): chr2:29,233,696, T>G on the plus strand (A>C on the coding strand, the complement: ALK is on the minus strand). VCF-style: chr2-29233696-T-G. GRCh37 (hg19) VCF-style: chr2-29456562-T-G.
Other names: short protein forms T786P.
Identifiers: ClinVar variation 858447 (VCV000858447.10), dbSNP rs375227499, ClinGen allele CA346472602.